The following is an entry in ClinVar:

ClinVar aggregate classification (germline): Uncertain significance (1 of 4 stars; one submission).

Conditions:
Microcephaly 7, primary, autosomal recessive. Identifiers: Orphanet 2512, MedGen C2675187, MONDO:0012989, OMIM 612703.

Allele frequency attached by ClinVar (database versions not stated): TOPMed below 0.00001; gnomAD exomes 0.00001.
gnomAD v4.1: 2 of 1,614,102 alleles (0.00012%); highest among the groups gnomAD compares: Admixed American, 0.0033%; no homozygotes.

Submission:

Baylor Genetics
Classification: Uncertain significance for Microcephaly 7, primary, autosomal recessive. Last evaluated: 2018-12-15. Review status: criteria provided, single submitter. Criteria: ACMG Guidelines, 2015. Collection method: clinical testing. Allele origin: unknown. Affected: yes.
Comment: This variant was determined to be of uncertain significance according to ACMG Guidelines, 2015 [PMID:25741868].

NM_001048166.1(STIL):c.2453C>G (p.Thr818Ser)

Gene: STIL (STIL centriolar assembly protein; minus strand). Cytogenetic location: 1p33.
Variant type: single nucleotide variant.
Coding change: c.2453C>G on transcript NM_001048166.1 (MANE Select); coding-DNA position 2453, C replaced by G.
Protein change: p.Thr818Ser; replaces threonine 818 with serine.
Molecular consequence: missense variant.
Genome position (GRCh38, 1-based): chr1:47,269,797, G>C on the plus strand (C>G on the coding strand, the complement: STIL is on the minus strand). VCF-style: chr1-47269797-G-C. GRCh37 (hg19) VCF-style: chr1-47735469-G-C.
Other names: c.2453C>G, p.Thr818Ser (NM_001282936.1, NM_001282937.1, NM_003035.2); c.2312C>G, p.Thr771Ser (NM_001282938.1, NM_001282939.1, NM_001377417.1); short protein forms T771S, T818S.
Identifiers: ClinVar variation 1032103 (VCV001032103.1), dbSNP rs1235348126, ClinGen allele CA340241303.
Genomic context (GRCh38, chr1:47,269,797, plus strand): 5'-AGACTTGTGACTTCATTATTAATATCGACAGAAAAATTCATGTCCTCACTGGAAATTTTG[G>C]TATCATCTTGCTTCATTTGAGAGTCAGGCTCTTGATCCTCACCTGCTGCATTCCAAAACA-3'
Protein context (NP_001041631.1, residues 808-828): EPDSQMKQDD[Thr818Ser]KISSEDMNFS